The following is an entry in ClinVar:

NM_000642.3(AGL):c.2245A>T (p.Thr749Ser)

Gene: AGL (amylo-alpha-1,6-glucosidase and 4-alpha-glucanotransferase; plus strand). Cytogenetic location: 1p21.2.
Variant type: single nucleotide variant.
Coding change: c.2245A>T on transcript NM_000642.3 (MANE Select); coding-DNA position 2245, A replaced by T.
Protein change: p.Thr749Ser; replaces threonine 749 with serine.
Molecular consequence: missense variant.
Genome position (GRCh38, 1-based): chr1:99,881,628, A>T. VCF-style: chr1-99881628-A-T. GRCh37 (hg19) VCF-style: chr1-100347184-A-T.
Other names: c.2245A>T, p.Thr749Ser (NM_000028.3, NM_000643.3, NM_000644.3 and 2 more transcripts); c.2197A>T, p.Thr733Ser (NM_000646.3); c.2044A>T, p.Thr682Ser (NM_001425327.1); c.2041A>T, p.Thr681Ser (NM_001425328.1, NM_001425329.1); c.1867A>T, p.Thr623Ser (NM_001425332.1); short protein forms T733S, T749S, T623S, T681S, T682S.
Identifiers: ClinVar variation 1384266 (VCV001384266.6), dbSNP rs891610687, ClinGen allele CA27516645.

ClinVar aggregate classification (germline): Uncertain significance (1 of 4 stars; one submission).

Conditions:
Glycogen storage disease type III (GSD3). Also called: Cori disease; FORBES DISEASE. Identifiers: Orphanet 366, MedGen C0017922, MONDO:0009291, OMIM 232400.

Submission:

Labcorp Genetics (formerly Invitae), Labcorp
Classification: Uncertain significance for Glycogen storage disease type III. Last evaluated: 2021-10-03. Review status: criteria provided, single submitter. Criteria: Invitae Variant Classification Sherloc (09022015). Collection method: clinical testing. Allele origin: germline.
Comment: In summary, the available evidence is currently insufficient to determine the role of this variant in disease. Therefore, it has been classified as a Variant of Uncertain Significance. Algorithms developed to predict the effect of missense changes on protein structure and function are either unavailable or do not agree on the potential impact of this missense change (SIFT: "Tolerated"; PolyPhen-2: "Possibly Damaging"; Align-GVGD: "Class C0"). This variant has not been reported in the literature in individuals affected with AGL-related conditions. This variant is not present in population databases (ExAC no frequency). This sequence change replaces threonine with serine at codon 749 of the AGL protein (p.Thr749Ser). The threonine residue is moderately conserved and there is a small physicochemical difference between threonine and serine.